The following is an entry in ClinVar:

ClinVar aggregate classification (germline): Likely pathogenic. Review status: criteria provided, single submitter (1 of 4 stars). 2 submissions from 2 submitters: Likely pathogenic (1). 1 of the submissions does not count toward it. Last evaluated 2025-09-01.

Conditions:
JKAMP-related neurodevelopmental disorder.
Neurodevelopmental disorder with seizures and impaired intellectual and language development. Identifiers: MedGen CN381014, MONDO:0981032, OMIM 621533.

gnomAD v4.1: 2 of 1,590,360 alleles (0.00013%); highest among the groups gnomAD compares: Non-Finnish European, 0.00017%; no homozygotes.

Submissions (2):

Telethon Undiagnosed Diseases Program, Telethon Institute of Genetics and Medicine
Classification: Likely pathogenic for JKAMP-related neurodevelopmental disorder. Last evaluated: 2025-09-01. Review status: criteria provided, single submitter. Criteria: ACMG Guidelines, 2015. Collection method: clinical testing. Allele origin: biparental. Affected: yes. Observed: 1 homozygote.
Comment: The variant c.458+1G>C is a single nucleotide substitution that occurs at the canonical +1 splice donor site of the JKAMP gene. This alteration affects the GT dinucleotide at the 5′ end of the intron, which is essential for accurate pre-mRNA splicing. Variations at this splice site consensus are known to disrupt normal splicing, potentially resulting in exon skipping, intron retention or the activation of cryptic splice sites. This can ultimately lead to the production of aberrant mRNA transcripts.

OMIM
Classification: Pathogenic for NEURODEVELOPMENTAL DISORDER WITH SEIZURES AND IMPAIRED INTELLECTUAL AND LANGUAGE DEVELOPMENT. Last evaluated: 2026-03-10. Review status: no assertion criteria provided. Collection method: literature only. Allele origin: germline. Not counted in ClinVar's aggregate classification.

Literature cited by the submitters: PubMed 41643666 (cited by OMIM).

NM_016475.5(JKAMP):c.458+1G>C

Genes: JKAMP (JNK1/MAPK8 associated membrane protein; plus strand), L3HYPDH (trans-L-3-hydroxyproline dehydratase; minus strand). Cytogenetic location: 14q23.1.
Variant type: single nucleotide variant.
Coding change: c.458+1G>C on transcript NM_016475.5 (MANE Select); the canonical splice donor site of the intron after coding-DNA position 458, G replaced by C.
Molecular consequence: splice donor variant.
Genome position (GRCh38, 1-based): chr14:59,495,225, G>C. VCF-style: chr14-59495225-G-C. GRCh37 (hg19) VCF-style: chr14-59961943-G-C.
Other names: NT458, G-C, +1 (SCV006311624); c.500+1G>C (NM_001284201.2); c.482+1G>C (NM_001284202.2); c.269+1G>C (NM_001284203.2); c.458+1G>C (NM_001284204.2); c.440+1G>C (NM_001098625.3).
Identifiers: ClinVar variation 4082083 (VCV004082083.2).